The following is an entry in ClinVar:

ClinVar aggregate classification (germline): Conflicting classifications of pathogenicity. Review status: criteria provided, conflicting classifications (1 of 4 stars). 3 submissions from 3 submitters: Uncertain significance (2); Benign (1). Last evaluated 2025-10-06.

Conditions:
Neurodevelopmental disorder. Identifiers: MedGen C1535926, MeSH D065886, MONDO:0700092.
DYRK1A-related intellectual disability syndrome (MRD7). Also called: Intellectual developmental disorder, autosomal dominant 7; DYRK1A Syndrome. Identifiers: Orphanet 464306, MedGen C5568143, MONDO:0013578, OMIM 614104.
Inborn genetic diseases. Identifiers: MedGen C0950123, MeSH D030342.

Allele frequency attached by ClinVar (database versions not stated): gnomAD exomes below 0.00001; TOPMed below 0.00001; gnomAD 0.00001.
gnomAD v4.1: 8 of 1,614,066 alleles (0.0005%); highest among the groups gnomAD compares: African/African-American, 0.0013%; no homozygotes.

Submissions (3):

Labcorp Genetics (formerly Invitae), Labcorp
Classification: Benign for DYRK1A-related intellectual disability syndrome. Last evaluated: 2025-10-06. Review status: criteria provided, single submitter. Criteria: Invitae Variant Classification Sherloc (09022015). Collection method: clinical testing. Allele origin: germline.

Broad Center for Mendelian Genomics, Broad Institute of MIT and Harvard
Classification: Uncertain significance for Neurodevelopmental disorder. Last evaluated: 2024-06-19. Review status: criteria provided, single submitter. Criteria: ACMG Guidelines, 2015. Collection method: curation. Allele origin: germline. Inheritance: Autosomal dominant inheritance. Study: GREGoR Consortium.
Comment: Trio exome analysis showed this variant to be de novo. The p.Met637Val variant in DYRK1A has not been previously reported in the literature in individuals with neurodevelopmental disorder but has been identified in 0.001% (1/74914) of African/African American chromosomes by the Genome Aggregation Database (gnomAD; dbSNP ID: rs1353409115). Although this variant has been seen in the general population in a heterozygous state, its frequency is not high enough to rule out a pathogenic role. Pathogenic variants may be present at a low frequency in the general population, for diseases with clinical variability, or reduced penetrance. This variant has also been reported in ClinVar (Variation ID: 2178558) and has been interpreted as a variant of uncertain significance by Invitae and Ambry Genetics. Computational prediction tools and conservation analyses do not provide strong support for or against an impact to the protein. The number of missense variants reported in DYRK1A in the general population is lower than expected, suggesting there is little benign variant in this gene and slightly increasing the possibility that a missense variant in this gene may not be tolerated. In summary, the clinical significance of the p.Met637Val variant is uncertain. ACMG/AMP Criteria applied: PP2, PS2_supporting (Richards 2015).

Ambry Genetics
Classification: Uncertain significance for Inborn genetic diseases. Last evaluated: 2024-01-31. Review status: criteria provided, single submitter. Criteria: Ambry Variant Classification Scheme 2023. Collection method: clinical testing. Allele origin: germline.

NM_001347721.2(DYRK1A):c.1909A>G (p.Met637Val)

Gene: DYRK1A (dual specificity tyrosine phosphorylation regulated kinase 1A; plus strand). Cytogenetic location: 21q22.13.
Variant type: single nucleotide variant.
Coding change: c.1909A>G on transcript NM_001347721.2 (MANE Select); coding-DNA position 1909, A replaced by G.
Protein change: p.Met637Val; replaces methionine 637 with valine.
Molecular consequence: missense variant. On other transcripts: 3 prime UTR variant (2).
Genome position (GRCh38, 1-based): chr21:37,512,175, A>G. VCF-style: chr21-37512175-A-G. GRCh37 (hg19) VCF-style: chr21-38884478-A-G.
Other names: NM_001347721.2(DYRK1A):c.1909A>G; p.Met637Val; c.1936A>G (NM_001396.3); c.1909A>G, p.Met637Val (NM_001347722.2, NM_130436.2); c.1822A>G, p.Met608Val (NM_001347723.2); c.1936A>G, p.Met646Val (NM_001396.5); c.*312A>G (NM_101395.2); c.*221A>G (NM_130438.2); short protein forms M637V, M646V, M608V.
Identifiers: ClinVar variation 2178558 (VCV002178558.6), dbSNP rs1353409115, ClinGen allele CA409939853.